The following is an entry in ClinVar:

ClinVar aggregate classification (germline): Uncertain significance (1 of 4 stars; one submission).

Conditions:
Severe combined immunodeficiency due to IKK2 deficiency. Also called: IMMUNODEFICIENCY 15B; Immunodeficiency 15. Identifiers: Orphanet 397787, MedGen C4747743, MONDO:0014267, OMIM 615592.

gnomAD v4.1: 5 of 1,606,224 alleles (0.00031%); highest among the groups gnomAD compares: South Asian, 0.0033%; no homozygotes.

Submission:

Labcorp Genetics (formerly Invitae), Labcorp
Classification: Uncertain significance for Severe combined immunodeficiency due to IKK2 deficiency. Last evaluated: 2026-02-01. Review status: criteria provided, single submitter. Criteria: Invitae Variant Classification Sherloc (09022015). Collection method: clinical testing. Allele origin: germline.
Comment: This sequence change replaces methionine, which is neutral and non-polar, with threonine, which is neutral and polar, at codon 552 of the IKBKB protein (p.Met552Thr). This variant is not present in population databases (gnomAD no frequency). This variant has not been reported in the literature in individuals affected with IKBKB-related conditions. ClinVar contains an entry for this variant (Variation ID: 3718869). Invitae Evidence Modeling of protein sequence and biophysical properties (such as structural, functional, and spatial information, amino acid conservation, physicochemical variation, residue mobility, and thermodynamic stability) indicates that this missense variant is not expected to disrupt IKBKB protein function with a negative predictive value of 95%. In summary, the available evidence is currently insufficient to determine the role of this variant in disease. Therefore, it has been classified as a Variant of Uncertain Significance.

NM_001556.3(IKBKB):c.1655T>C (p.Met552Thr)

Gene: IKBKB (inhibitor of nuclear factor kappa B kinase subunit beta; plus strand). Cytogenetic location: 8p11.21.
Variant type: single nucleotide variant.
Coding change: c.1655T>C on transcript NM_001556.3 (MANE Select); coding-DNA position 1655, T replaced by C.
Protein change: p.Met552Thr; replaces methionine 552 with threonine.
Molecular consequence: missense variant. On other transcripts: non-coding transcript variant (3).
Genome position (GRCh38, 1-based): chr8:42,320,811, T>C. VCF-style: chr8-42320811-T-C. GRCh37 (hg19) VCF-style: chr8-42178329-T-C.
Other names: c.1463T>C, p.Met488Thr (NM_001190720.3); c.1478T>C, p.Met493Thr (NM_001242778.2); short protein forms M488T, M493T, M552T.
Identifiers: ClinVar variation 3718869 (VCV003718869.2).